The following is an entry in ClinVar:

ClinVar aggregate classification (germline): Uncertain significance (1 of 4 stars; one submission).

Conditions:
Mucopolysaccharidosis type 7 (MPS7). Also called: BETA-GLUCURONIDASE DEFICIENCY; GUSB DEFICIENCY; SLY SYNDROME; MPS VII. Identifiers: Orphanet 584, MedGen C0085132, MONDO:0009662, OMIM 253220.

Allele frequency attached by ClinVar (database versions not stated): TOPMed below 0.00001; gnomAD 0.00001; ExAC 0.00002; gnomAD exomes 0.00004; 1000 Genomes Project 30x 0.00016; 1000 Genomes Project 0.00020.
gnomAD v4.1: 23 of 1,613,702 alleles (0.0014%); highest among the groups gnomAD compares: East Asian, 0.051%; no homozygotes.

Submission:

Labcorp Genetics (formerly Invitae), Labcorp
Classification: Uncertain significance for Mucopolysaccharidosis type 7. Last evaluated: 2024-02-24. Review status: criteria provided, single submitter. Criteria: Invitae Variant Classification Sherloc (09022015). Collection method: clinical testing. Allele origin: germline.
Comment: This sequence change replaces phenylalanine, which is neutral and non-polar, with leucine, which is neutral and non-polar, at codon 256 of the GUSB protein (p.Phe256Leu). This variant is present in population databases (rs200941434, gnomAD 0.05%). This variant has not been reported in the literature in individuals affected with GUSB-related conditions. ClinVar contains an entry for this variant (Variation ID: 1476049). An algorithm developed to predict the effect of missense changes on protein structure and function (PolyPhen-2) suggests that this variant¬†is likely to be tolerated. In summary, the available evidence is currently insufficient to determine the role of this variant in disease. Therefore, it has been classified as a Variant of Uncertain Significance.

NM_000181.4(GUSB):c.766T>C (p.Phe256Leu)

Gene: GUSB (glucuronidase beta; minus strand). Cytogenetic location: 7q11.21.
Variant type: single nucleotide variant.
Coding change: c.766T>C on transcript NM_000181.4 (MANE Select); coding-DNA position 766, T replaced by C.
Protein change: p.Phe256Leu; replaces phenylalanine 256 with leucine.
Molecular consequence: missense variant. On other transcripts: non-coding transcript variant (1), intron variant (1).
Genome position (GRCh38, 1-based): chr7:65,976,161, A>G on the plus strand (T>C on the coding strand, the complement: GUSB is on the minus strand). VCF-style: chr7-65976161-A-G. GRCh37 (hg19) VCF-style: chr7-65441148-A-G.
Other names: c.196T>C, p.Phe66Leu (NM_001293104.2); c.109T>C, p.Phe37Leu (NM_001293105.2); c.475-1090T>C (NM_001284290.2); short protein forms F256L, F37L, F66L.
Identifiers: ClinVar variation 1476049 (VCV001476049.4), dbSNP rs200941434, ClinGen allele CA4276518.